The following is an entry in ClinVar:

NM_000179.3(MSH6):c.2151C>T (p.Val717=)

Gene: MSH6 (mutS homolog 6; plus strand). Cytogenetic location: 2p16.3.
Variant type: single nucleotide variant.
Coding change: c.2151C>T on transcript NM_000179.3 (MANE Select); coding-DNA position 2151, C replaced by T.
Protein change: p.Val717=; no amino-acid change (valine 717 retained).
Molecular consequence: synonymous variant.
Genome position (GRCh38, 1-based): chr2:47,800,134, C>T. VCF-style: chr2-47800134-C-T. GRCh37 (hg19) VCF-style: chr2-48027273-C-T.
Other names: c.1761C>T, p.Val587= (NM_001281492.2); c.1245C>T, p.Val415= (NM_001281493.2, NM_001281494.2).
Identifiers: ClinVar variation 765643 (VCV000765643.13), dbSNP rs1572725932, ClinGen allele CA426121599.

ClinVar aggregate classification (germline): Benign/Likely benign. Review status: criteria provided, multiple submitters, no conflicts (2 of 4 stars). 3 submissions from 3 submitters: Benign (1); Likely benign (2). Last evaluated 2025-06-11.

Conditions:
Hereditary nonpolyposis colorectal neoplasms. Identifiers: MedGen C0009405, MeSH D003123.
Hereditary cancer-predisposing syndrome. Also called: Tumor predisposition; Neoplastic Syndromes, Hereditary; Hereditary Cancer Syndrome; Hereditary neoplastic syndrome. Identifiers: Orphanet 140162, MedGen C0027672, MeSH D009386, MONDO:0015356.
Lynch syndrome 5 (LYNCH5). Also called: Colorectal cancer, hereditary nonpolyposis, type 5; Hereditary non-polyposis colorectal cancer, type 5. Identifiers: Orphanet 144, MedGen C1833477, MONDO:0013710, OMIM 614350. Disease mechanism: loss of function.

gnomAD v4.1: 1 of 1,614,096 alleles (0.000062%); no homozygotes.

Submissions (3):

Labcorp Genetics (formerly Invitae), Labcorp
Classification: Likely benign for Hereditary nonpolyposis colorectal neoplasms. Last evaluated: 2025-06-11. Review status: criteria provided, single submitter. Criteria: Invitae Variant Classification Sherloc (09022015). Collection method: clinical testing. Allele origin: germline.

Ambry Genetics
Classification: Likely benign for Hereditary cancer-predisposing syndrome. Last evaluated: 2025-04-10. Review status: criteria provided, single submitter. Criteria: Ambry Variant Classification Scheme 2023. Collection method: clinical testing. Allele origin: germline.

Myriad Genetics, Inc.
Classification: Benign for Lynch syndrome 5. Last evaluated: 2024-12-30. Review status: criteria provided, single submitter. Criteria: Myriad Autosomal Dominant, Autosomal Recessive and X-Linked Classification Criteria (2023). Collection method: clinical testing. Allele origin: unknown.
Comment: This variant is considered benign. This variant is a silent/synonymous amino acid change and it is not expected to impact splicing.